The following is an entry in ClinVar:

NM_001267550.2(TTN):c.23844C>A (p.Ile7948=)

Gene: TTN (titin; minus strand). Cytogenetic location: 2q31.2.
Variant type: single nucleotide variant.
Coding change: c.23844C>A on transcript NM_001267550.2 (MANE Select); coding-DNA position 23844, C replaced by A.
Protein change: p.Ile7948=; no amino-acid change (isoleucine 7948 retained).
Molecular consequence: synonymous variant. On other transcripts: intron variant (3).
Genome position (GRCh38, 1-based): chr2:178,719,648, G>T on the plus strand (C>A on the coding strand, the complement: TTN is on the minus strand). VCF-style: chr2-178719648-G-T. GRCh37 (hg19) VCF-style: chr2-179584375-G-T.
Other names: c.22893C>A, p.Ile7631= (NM_001256850.1); c.20112C>A, p.Ile6704= (NM_133378.4); c.13282+18434C>A (NM_003319.4); c.13858+18434C>A (NM_133437.4); c.13657+18434C>A (NM_133432.3).
Identifiers: ClinVar variation 509021 (VCV000509021.4), dbSNP rs536536380, ClinGen allele CA2000560.

ClinVar aggregate classification (germline): Likely benign. Review status: criteria provided, multiple submitters, no conflicts (2 of 4 stars). 2 submissions from 2 submitters: Likely benign (2). Last evaluated 2025-03-05.

Conditions:
Dilated cardiomyopathy 1G (CMD1G). Identifiers: Orphanet 154, MedGen C1858763, MONDO:0011400, OMIM 604145.
Autosomal recessive limb-girdle muscular dystrophy type 2J (LGMDR10). Also called: Limb-girdle muscular dystrophy, type 2J; MUSCULAR DYSTROPHY, LIMB-GIRDLE, AUTOSOMAL RECESSIVE 10. Identifiers: Orphanet 140922, MedGen C1837342, MONDO:0012127, OMIM 608807.

Allele frequency attached by ClinVar (database versions not stated): gnomAD exomes below 0.00001 and 0.00001; ExAC 0.00001; TOPMed 0.00002; gnomAD 0.00003; 1000 Genomes Project 30x 0.00016; 1000 Genomes Project 0.00020.
gnomAD v4.1: 11 of 1,613,694 alleles (0.00068%); highest among the groups gnomAD compares: African/African-American, 0.011%; no homozygotes.

Submissions (2):

Labcorp Genetics (formerly Invitae), Labcorp
Classification: Likely benign for Dilated cardiomyopathy 1G; Autosomal recessive limb-girdle muscular dystrophy type 2J. Last evaluated: 2025-03-05. Review status: criteria provided, single submitter. Criteria: Invitae Variant Classification Sherloc (09022015). Collection method: clinical testing. Allele origin: germline.

GeneDx
Classification: Likely benign. Last evaluated: 2017-04-11. Review status: criteria provided, single submitter. Criteria: GeneDx Variant Classification (06012015). Collection method: clinical testing. Allele origin: germline. Affected: yes.
Comment: This variant is considered likely benign or benign based on one or more of the following criteria: it is a conservative change, it occurs at a poorly conserved position in the protein, it is predicted to be benign by multiple in silico algorithms, and/or has population frequency not consistent with disease.